The following is an entry in ClinVar:

NM_000384.3(APOB):c.13443C>A (p.Ala4481=)

Gene: APOB (apolipoprotein B; minus strand). Cytogenetic location: 2p24.1.
Variant type: single nucleotide variant.
Coding change: c.13443C>A on transcript NM_000384.3 (MANE Select); coding-DNA position 13443, C replaced by A.
Protein change: p.Ala4481=; no amino-acid change (alanine 4481 retained).
Molecular consequence: synonymous variant.
Genome position (GRCh38, 1-based): chr2:21,001,979, G>T on the plus strand (C>A on the coding strand, the complement: APOB is on the minus strand). VCF-style: chr2-21001979-G-T. GRCh37 (hg19) VCF-style: chr2-21224851-G-T.
Other names: c.13443C>A (NM_000384.2).
Identifiers: ClinVar variation 2934938 (VCV002934938.4), dbSNP rs2465347718, ClinGen allele CA425341797.
Genomic context (GRCh38, chr2:21,001,979, plus strand): 5'-ATCTTGCAGTTTATATCTAAACTGCTGGTGGTAATCAGAAATTATTTTCTTCGTCGCAAT[G>T]GCCTGGCTTTTAATTATTTCCTGAGCAGTGGCAGAAAGCTCTGCAATCTTCTCTTTCCCT-3'
Protein context (NP_000375.3, residues 4471-4491): ATAQEIIKSQ[Ala4481=]IATKKIISDY

ClinVar aggregate classification (germline): Likely benign. Review status: criteria provided, multiple submitters, no conflicts (2 of 4 stars). 2 submissions from 2 submitters: Likely benign (2). Last evaluated 2026-06-29.

Conditions:
Familial hypobetalipoproteinemia 1. Also called: Hypobetalipoproteinemia, normotriglyceridemic; Acanthocytosis with hypobetalipoproteinemia; APOB-Related Familial Hypobetalipoproteinemia. Identifiers: MedGen C4551990, MONDO:0014252, OMIM 615558.
Hypercholesterolemia, autosomal dominant, type B (FHCL2). Also called: APOB-Related Familial Hypercholesterolemia, Autosomal Dominant; Familial Hypercholesterolemia Type B; APOLIPOPROTEIN B-100, FAMILIAL DEFECTIVE; APOLIPOPROTEIN B-100, FAMILIAL LIGAND-DEFECTIVE; HYPERCHOLESTEROLEMIA, FAMILIAL, DUE TO LIGAND-DEFECTIVE APOLIPOPROTEIN B; Hyperlipoproteinemia Type IIb. Identifiers: MedGen C1704417, MONDO:0007751, OMIM 144010.
Familial hypercholesterolemia. Also called: Familial hypercholesterolaemia; Familial hypercholesterolemias. Identifiers: MedGen C0020445, MONDO:0005439.

Submissions (2):

GENinCode PLC
Classification: Likely benign for Familial hypercholesterolemia. Last evaluated: 2026-06-29. Review status: criteria provided, single submitter. Criteria: ACMG Guidelines, 2015. Collection method: clinical testing. Allele origin: germline.
Comment: This is a synonymous (silent) variant that is not predicted to impact splicing and occurs at a nucleotide which is not highly conserved. This variant has been classified as Likely Benign (BP4, BP7).

Labcorp Genetics (formerly Invitae), Labcorp
Classification: Likely benign for Familial hypobetalipoproteinemia 1; Hypercholesterolemia, autosomal dominant, type B. Last evaluated: 2024-01-27. Review status: criteria provided, single submitter. Criteria: Invitae Variant Classification Sherloc (09022015). Collection method: clinical testing. Allele origin: germline.